The following is an entry in ClinVar:

NM_001348716.2(KDM6B):c.2919G>A (p.Lys973=)

Gene: KDM6B (lysine demethylase 6B; plus strand). Cytogenetic location: 17p13.1.
Variant type: single nucleotide variant.
Coding change: c.2919G>A on transcript NM_001348716.2 (MANE Select); coding-DNA position 2919, G replaced by A.
Protein change: p.Lys973=; no amino-acid change (lysine 973 retained).
Molecular consequence: synonymous variant.
Genome position (GRCh38, 1-based): chr17:7,849,207, G>A. VCF-style: chr17-7849207-G-A. GRCh37 (hg19) VCF-style: chr17-7752525-G-A.
Other names: c.2919G>A, p.Lys973= (NM_001080424.2).
Identifiers: ClinVar variation 3050698 (VCV003050698.2), dbSNP rs28579270, ClinGen allele CA8361039.

ClinVar aggregate classification (germline): Likely benign (0 of 4 stars; one submission).

Conditions:
KDM6B-related disorder. Also called: KDM6B-related condition.

Allele frequency attached by ClinVar (database versions not stated): TOPMed below 0.00001; gnomAD exomes 0.00001; ExAC 0.00002.
gnomAD v4.1: 10 of 1,598,468 alleles (0.00063%); highest among the groups gnomAD compares: South Asian, 0.0033%; no homozygotes.

Submission:

PreventionGenetics, part of Exact Sciences
Classification: Likely benign for KDM6B-related condition. Last evaluated: 2019-07-10. Review status: no assertion criteria provided. Collection method: clinical testing. Allele origin: germline.
Comment: This variant is classified as likely benign based on ACMG/AMP sequence variant interpretation guidelines (Richards et al. 2015 PMID: 25741868, with internal and published modifications).